The following is an entry in ClinVar:

ClinVar aggregate classification (germline): Uncertain significance. Review status: criteria provided, multiple submitters, no conflicts (2 of 4 stars). 2 submissions from 2 submitters: Uncertain significance (2). Last evaluated 2025-10-22.

Allele frequency attached by ClinVar (database versions not stated): gnomAD exomes below 0.00001; TOPMed 0.00001.
gnomAD v4.1: 1 of 1,211,631 alleles (0.000083%); highest among the groups gnomAD compares: Non-Finnish European, 0.00011%; no homozygotes.

Submissions (2):

Ambry Genetics
Classification: Uncertain significance. Last evaluated: 2025-10-22. Review status: criteria provided, single submitter. Criteria: Ambry Variant Classification Scheme 2023. Collection method: clinical testing. Allele origin: germline.

Labcorp Genetics (formerly Invitae), Labcorp
Classification: Uncertain significance. Last evaluated: 2023-03-03. Review status: criteria provided, single submitter. Criteria: Invitae Variant Classification Sherloc (09022015). Collection method: clinical testing. Allele origin: germline.
Comment: This variant has not been reported in the literature in individuals affected with TLR7-related conditions. This variant is not present in population databases (gnomAD no frequency). This sequence change replaces aspartic acid, which is acidic and polar, with glycine, which is neutral and non-polar, at codon 198 of the TLR7 protein (p.Asp198Gly). An algorithm developed to predict the effect of missense changes on protein structure and function (PolyPhen-2) suggests that this variant is likely to be tolerated. In summary, the available evidence is currently insufficient to determine the role of this variant in disease. Therefore, it has been classified as a Variant of Uncertain Significance.

NM_016562.4(TLR7):c.593A>G (p.Asp198Gly)

Gene: TLR7 (toll like receptor 7; plus strand). Cytogenetic location: Xp22.2.
Variant type: single nucleotide variant.
Coding change: c.593A>G on transcript NM_016562.4 (MANE Select); coding-DNA position 593, A replaced by G.
Protein change: p.Asp198Gly; replaces aspartic acid 198 with glycine.
Molecular consequence: missense variant.
Genome position (GRCh38, 1-based): chrX:12,886,101, A>G. VCF-style: chrX-12886101-A-G. GRCh37 (hg19) VCF-style: chrX-12904220-A-G.
Other names: c.593A>G (NM_016562.3); short protein forms D198G.
Identifiers: ClinVar variation 2842644 (VCV002842644.4), dbSNP rs2042910239, ClinGen allele CA412405178.